The following is an entry in ClinVar:

ClinVar aggregate classification (germline): Benign. Review status: criteria provided, multiple submitters, no conflicts (2 of 4 stars). 4 submissions from 4 submitters: Benign (4). Last evaluated 2025-12-13.

Conditions:
AHDC1-related intellectual disability - obstructive sleep apnea - mild dysmorphism syndrome. Also called: Xia-Gibbs syndrome. Identifiers: Orphanet 412069, MedGen C4014419, MONDO:0014358, OMIM 615829.

Allele frequency attached by ClinVar (database versions not stated): 1000 Genomes Project 30x 0.00016; 1000 Genomes Project 0.00020; ESP Exome Variant Server 0.00031; TOPMed 0.00033; gnomAD 0.00051.
gnomAD v4.1: 1,033 of 1,609,622 alleles (0.064%); highest among the groups gnomAD compares: South Asian, 0.13%; 3 homozygotes.

Submissions (4):

Labcorp Genetics (formerly Invitae), Labcorp
Classification: Benign. Last evaluated: 2025-12-13. Review status: criteria provided, single submitter. Criteria: Invitae Variant Classification Sherloc (09022015). Collection method: clinical testing. Allele origin: germline.

CeGaT Center for Human Genetics Tuebingen
Classification: Benign. Last evaluated: 2022-09-01. Review status: criteria provided, single submitter. Criteria: CeGaT Center For Human Genetics Tuebingen Variant Classification Criteria Version 2. Collection method: clinical testing. Allele origin: germline. Affected: yes. Observed: 2 variant alleles.
Comment: AHDC1: BS1, BS2

Genome-Nilou Lab
Classification: Benign for AHDC1-related intellectual disability - obstructive sleep apnea - mild dysmorphism syndrome. Last evaluated: 2021-12-05. Review status: criteria provided, single submitter. Criteria: ACMG Guidelines, 2015. Collection method: clinical testing. Allele origin: germline. Affected: no.

GeneDx
Classification: Benign. Last evaluated: 2020-01-22. Review status: criteria provided, single submitter. Criteria: GeneDx Variant Classification Process June 2021. Collection method: clinical testing. Allele origin: germline. Affected: yes.

NM_001371928.1(AHDC1):c.870G>A (p.Pro290=)

Gene: AHDC1 (AT-hook DNA binding motif containing 1; minus strand). Cytogenetic location: 1p36.11.
Variant type: single nucleotide variant.
Coding change: c.870G>A on transcript NM_001371928.1 (MANE Select); coding-DNA position 870, G replaced by A.
Protein change: p.Pro290=; no amino-acid change (proline 290 retained).
Molecular consequence: synonymous variant.
Genome position (GRCh38, 1-based): chr1:27,551,246, C>T on the plus strand (G>A on the coding strand, the complement: AHDC1 is on the minus strand). VCF-style: chr1-27551246-C-T. GRCh37 (hg19) VCF-style: chr1-27877757-C-T.
Other names: c.870G>A, p.Pro290= (NM_001029882.3); c.870G>A (NM_001029882.2).
Identifiers: ClinVar variation 739367 (VCV000739367.36), dbSNP rs369838366, ClinGen allele CA716061.